The following is an entry in ClinVar:

ClinVar aggregate classification (germline): Uncertain significance (1 of 4 stars; one submission).

Allele frequency attached by ClinVar (database versions not stated): ExAC 0.00001.
gnomAD v4.1: 23 of 1,612,808 alleles (0.0014%); highest among the groups gnomAD compares: South Asian, 0.015%; 1 homozygote.

Submission:

Labcorp Genetics (formerly Invitae), Labcorp
Classification: Uncertain significance. Last evaluated: 2022-02-01. Review status: criteria provided, single submitter. Criteria: Invitae Variant Classification Sherloc (09022015). Collection method: clinical testing. Allele origin: germline.
Comment: This sequence change replaces glutamine, which is neutral and polar, with leucine, which is neutral and non-polar, at codon 142 of the CTDP1 protein (p.Gln142Leu). This variant is present in population databases (rs748633530, gnomAD 0.01%). This variant has not been reported in the literature in individuals affected with CTDP1-related conditions. Algorithms developed to predict the effect of missense changes on protein structure and function are either unavailable or do not agree on the potential impact of this missense change (SIFT: "Deleterious"; PolyPhen-2: "Benign"; Align-GVGD: "Class C0"). In summary, the available evidence is currently insufficient to determine the role of this variant in disease. Therefore, it has been classified as a Variant of Uncertain Significance.

NM_004715.5(CTDP1):c.425A>T (p.Gln142Leu)

Gene: CTDP1 (CTD phosphatase subunit 1; plus strand). Cytogenetic location: 18q23.
Variant type: single nucleotide variant.
Coding change: c.425A>T on transcript NM_004715.5 (MANE Select); coding-DNA position 425, A replaced by T.
Protein change: p.Gln142Leu; replaces glutamine 142 with leucine.
Molecular consequence: missense variant.
Genome position (GRCh38, 1-based): chr18:79,696,003, A>T. VCF-style: chr18-79696003-A-T. GRCh37 (hg19) VCF-style: chr18-77456003-A-T.
Other names: c.68A>T, p.Gln23Leu (NM_001202504.1); c.425A>T, p.Gln142Leu (NM_001318511.2, NM_048368.4); short protein forms Q142L, Q23L.
Identifiers: ClinVar variation 2084853 (VCV002084853.1), dbSNP rs748633530, ClinGen allele CA9009957.
Genomic context (GRCh38, chr18:79,696,003, plus strand): 5'-GCTGAAAGCCCTGAACCTGTCCTTGCACTTGCAGGTTGCAGAGTAAGAACGGGAAGCAGC[A>T]GGTGCCGCTGTCCACGGCGACCGTGTCCATGGTGCACAGCGTGCCGGAGTTGATGGTGAG-3'
Protein context (NP_004706.3, residues 132-152): TQLQSKNGKQ[Gln142Leu]VPLSTATVSM